The following is an entry in ClinVar:

NM_001267550.2(TTN):c.31720C>G (p.Pro10574Ala)

Gene: TTN (titin; minus strand). Cytogenetic location: 2q31.2.
Variant type: single nucleotide variant.
Coding change: c.31720C>G on transcript NM_001267550.2 (MANE Select); coding-DNA position 31720, C replaced by G.
Protein change: p.Pro10574Ala; replaces proline 10574 with alanine.
Molecular consequence: missense variant. On other transcripts: intron variant (3).
Genome position (GRCh38, 1-based): chr2:178,692,058, G>C on the plus strand (C>G on the coding strand, the complement: TTN is on the minus strand). VCF-style: chr2-178692058-G-C. GRCh37 (hg19) VCF-style: chr2-179556785-G-C.
Other names: p.P10257A:CCA>GCA; c.30769C>G, p.Pro10257Ala (NM_001256850.1); c.27988C>G, p.Pro9330Ala (NM_133378.4); c.13282+46024C>G (NM_003319.4); c.13858+46024C>G (NM_133437.4); c.13657+46024C>G (NM_133432.3); short protein forms P10257A, P10574A, P9330A.
Identifiers: ClinVar variation 202564 (VCV000202564.2), dbSNP rs794729406, ClinGen allele CA309602.
Genomic context (GRCh38, chr2:178,692,058, plus strand): 5'-TCATTGGCTCTGGCGTACCTTTTGGGGGAGCAGCAGGTTCCTTCTTAGGCACAGGAACTG[G>C]CTTTTTCTCCTCTGGCACGGGTTTCTTGGGAACCTCAGGAACTTTAAAGATACAATTGTT-3'
Protein context (NP_001254479.2, residues 10564-10584): PKKPVPEEKK[Pro10574Ala]VPVPKKEPAA

ClinVar aggregate classification (germline): Uncertain significance (1 of 4 stars; one submission).

Allele frequency attached by ClinVar (database versions not stated): gnomAD exomes below 0.00001.
gnomAD v4.1: 1 of 1,613,224 alleles (0.000062%); highest among the groups gnomAD compares: Non-Finnish European, 0.000085%; no homozygotes.

Submission:

GeneDx
Classification: Uncertain significance. Last evaluated: 2014-02-24. Review status: criteria provided, single submitter. Criteria: GeneDx Variant Classification (06012015). Collection method: clinical testing. Allele origin: germline. Affected: yes.
Comment: Missense variants in the TTN gene are considered 'unclassified' if they are not previously reported in the literature and do not have >1% frequency in the population to be considered a polymorphism. Research indicates that truncating mutations in the TTN gene are expected to account for approximately 25% of familial and 18% of sporadic idiopathic DCM; however, truncating variants in the TTN gene have been reported in approximately 3% of reported control alleles. There has been little investigation into non-truncating variants. (Herman D et al. Truncations of titin causing dilated cardiomyopathy. N Eng J Med 366:619-628, 2012) The variant is found in DCM-CRDM panel(s).